The following is an entry in ClinVar:

NM_021930.6(RINT1):c.86A>G (p.Lys29Arg)

Gene: RINT1 (RAD50 interactor 1; plus strand). Cytogenetic location: 7q22.3.
Variant type: single nucleotide variant.
Coding change: c.86A>G on transcript NM_021930.6 (MANE Select); coding-DNA position 86, A replaced by G.
Protein change: p.Lys29Arg; replaces lysine 29 with arginine.
Molecular consequence: missense variant. On other transcripts: 5 prime UTR variant (4), non-coding transcript variant (1).
Genome position (GRCh38, 1-based): chr7:105,532,867, A>G. VCF-style: chr7-105532867-A-G. GRCh37 (hg19) VCF-style: chr7-105173314-A-G.
Other names: c.-12A>G (NM_001346599.2); c.-934A>G (NM_001346600.2); c.-837A>G (NM_001346601.2); c.-457A>G (NM_001346603.2); short protein forms K29R.
Identifiers: ClinVar variation 2447171 (VCV002447171.2), dbSNP rs2485090827, ClinGen allele CA368799521.
Genomic context (GRCh38, chr7:105,532,867, plus strand): 5'-ATCTGTTCTTCTTCTAGTGCTGCTCTGAAAGTGGTGACGAAAGGAAGAACCTCGAGGAGA[A>G]AAGTAAGCCAGCTCCAAACACCTTAGCTTTTTCTTCCCGCCCAAACTCAGCCTTCCAGGG-3'
Protein context (NP_068749.3, residues 19-39): SGDERKNLEE[Lys29Arg]SDINVTVLIG

ClinVar aggregate classification (germline): Uncertain significance (1 of 4 stars; one submission).

Submission:

Ambry Genetics
Classification: Uncertain significance. Last evaluated: 2022-12-29. Review status: criteria provided, single submitter. Criteria: Ambry Variant Classification Scheme 2023. Collection method: clinical testing. Allele origin: germline.
Comment: The p.K29R variant (also known as c.86A>G), located in coding exon 2 of the RINT1 gene, results from an A to G substitution at nucleotide position 86. The lysine at codon 29 is replaced by arginine, an amino acid with highly similar properties. This amino acid position is conserved. In addition, this alteration is predicted to be tolerated by in silico analysis. Since supporting evidence is limited at this time, the clinical significance of this alteration remains unclear.